The following is an entry in ClinVar:

NM_004247.4(EFTUD2):c.2240del (p.Asp747fs)

Gene: EFTUD2 (elongation factor Tu GTP binding domain containing 2; minus strand). Cytogenetic location: 17q21.31.
Variant type: Deletion.
Coding change: c.2240del on transcript NM_004247.4 (MANE Select); coding-DNA position 2240, one base deleted (A; older notation c.2240delA).
Protein change: p.Asp747fs; shifts the reading frame from aspartic acid 747.
Molecular consequence: frameshift variant.
Genome position (GRCh38, 1-based): chr17:44,854,575, T deleted on the plus strand (A on the coding strand, the reverse complement: EFTUD2 is on the minus strand). VCF-style (leftmost placement, unchanged base first): chr17-44854574-AT-A. GRCh37 (hg19) VCF-style: chr17-42931942-AT-A.
Other names: c.2135del, p.Asp712fs (NM_001142605.2); c.2240del, p.Asp747fs (NM_001258353.2); c.2210del, p.Asp737fs (NM_001258354.2); short protein forms D712fs, D737fs, D747fs.
Identifiers: ClinVar variation 4291711 (VCV004291711.1).

ClinVar aggregate classification (germline): Likely pathogenic (1 of 4 stars; one submission).

Conditions:
Mandibulofacial dysostosis-microcephaly syndrome (MFDGA). Also called: Mandibulofacial dysostosis, Guion-Almeida type; Growth and mental retardation, mandibulofacial dysostosis, microcephaly, and cleft palate. Identifiers: Orphanet 79113, MedGen C1864652, MONDO:0012516, OMIM 610536.

Submission:

3billion
Classification: Likely pathogenic for Mandibulofacial dysostosis-microcephaly syndrome. Last evaluated: 2024-11-26. Review status: criteria provided, single submitter. Criteria: ACMG Guidelines, 2015. Collection method: clinical testing. Allele origin: germline. Affected: yes.
Comment: The variant is not observed in the gnomAD v4.1.0 dataset. Predicted Consequence/Location: Frameshift: predicted to result in a loss or disruption of normal protein function through nonsense-mediated decay (NMD) or protein truncation. Multiple pathogenic variants are reported downstream of the variant. Therefore, this variant is classified as Likely pathogenic according to the recommendation of ACMG/AMP guideline.